The following is an entry in ClinVar:

NM_014244.5(ADAMTS2):c.112_113insCCTACCTGGG (p.Arg38fs)

Gene: ADAMTS2 (ADAM metallopeptidase with thrombospondin type 1 motif 2; minus strand). Cytogenetic location: 5q35.3.
Variant type: Insertion.
Coding change: c.112_113insCCTACCTGGG on transcript NM_014244.5 (MANE Select); coding-DNA positions 112 to 113, CCTACCTGGG inserted.
Protein change: p.Arg38fs; shifts the reading frame from arginine 38.
Molecular consequence: frameshift variant.
Genome position: GRCh38 VCF-style: chr5-179345216-C-CCCCAGGTAGG. GRCh37 (hg19) VCF-style: chr5-178772217-C-CCCCAGGTAGG.
Other names: c.112_113insCCTACCTGGG, p.Arg38fs (NM_021599.4); short protein forms R38fs.
Identifiers: ClinVar variation 5010551 (VCV005010551.1).

ClinVar aggregate classification (germline): Pathogenic (1 of 4 stars; one submission).

Conditions:
Ehlers-Danlos syndrome, dermatosparaxis type. Also called: EDS VIIC; Dermatosparaxis; Ehlers-Danlos syndrome, type VII, autosomal recessive. Identifiers: Orphanet 1901, MedGen C2700425, MONDO:0009161, OMIM 225410.

Submission:

Myriad Genetics, Inc.
Classification: Pathogenic for Ehlers-Danlos syndrome, dermatosparaxis type. Last evaluated: 2024-05-14. Review status: criteria provided, single submitter. Criteria: Myriad Autosomal Dominant, Autosomal Recessive and X-Linked Classification Criteria (2023). Collection method: clinical testing. Allele origin: unknown.
Comment: NM_014244.4(ADAMTS2):c.112_113ins10(R38Tfs*31) is expected to be pathogenic in the context of Ehlers-Danlos syndrome, ADAMTS2-related. This variant is predicted to lead to an abnormal or absent protein product due to the creation of a premature termination codon in ADAMTS2, a gene where loss-of-function variants are known to be pathogenic. Please note: this variant was assessed in the context of healthy population screening.